The following is an entry in ClinVar:

ClinVar aggregate classification (germline): Uncertain significance (1 of 4 stars; one submission).

Conditions:
Hereditary cancer-predisposing syndrome. Also called: Neoplastic Syndromes, Hereditary; Tumor predisposition; Hereditary neoplastic syndrome; Hereditary Cancer Syndrome. Identifiers: Orphanet 140162, MedGen C0027672, MeSH D009386, MONDO:0015356.

Submission:

Ambry Genetics
Classification: Uncertain significance for Hereditary cancer-predisposing syndrome. Last evaluated: 2025-05-09. Review status: criteria provided, single submitter. Criteria: Ambry Variant Classification Scheme 2023. Collection method: clinical testing. Allele origin: germline.
Comment: The p.K971T variant (also known as c.2912A>C), located in coding exon 17 of the ALK gene, results from an A to C substitution at nucleotide position 2912. The lysine at codon 971 is replaced by threonine, an amino acid with similar properties. This amino acid position is conserved. In addition, the in silico prediction for this alteration is inconclusive. Based on the available evidence, the clinical significance of this variant remains unclear.

NM_004304.5(ALK):c.2912A>C (p.Lys971Thr)

Gene: ALK (ALK receptor tyrosine kinase; minus strand). Cytogenetic location: 2p23.2.
Variant type: single nucleotide variant.
Coding change: c.2912A>C on transcript NM_004304.5 (MANE Select); coding-DNA position 2912, A replaced by C.
Protein change: p.Lys971Thr; replaces lysine 971 with threonine.
Molecular consequence: missense variant.
Genome position (GRCh38, 1-based): chr2:29,227,576, T>G on the plus strand (A>C on the coding strand, the complement: ALK is on the minus strand). VCF-style: chr2-29227576-T-G. GRCh37 (hg19) VCF-style: chr2-29450442-T-G.
Other names: short protein forms K971T.
Identifiers: ClinVar variation 4040881 (VCV004040881.1).